The following is an entry in ClinVar:

ClinVar aggregate classification (germline): Uncertain significance (1 of 4 stars; one submission).

Conditions:
Neuroblastoma, susceptibility to, 3. Also called: ALK-Related Neuroblastic Tumor Susceptibility. Identifiers: Orphanet 635, MedGen C2751681, MONDO:0013083, OMIM 613014.

Submission:

Labcorp Genetics (formerly Invitae), Labcorp
Classification: Uncertain significance for Neuroblastoma, susceptibility to, 3. Last evaluated: 2024-01-27. Review status: criteria provided, single submitter. Criteria: Invitae Variant Classification Sherloc (09022015). Collection method: clinical testing. Allele origin: germline.
Comment: This sequence change replaces valine, which is neutral and non-polar, with methionine, which is neutral and non-polar, at codon 59 of the ALK protein (p.Val59Met). This variant is not present in population databases (gnomAD no frequency). This variant has not been reported in the literature in individuals affected with ALK-related conditions. An algorithm developed to predict the effect of missense changes on protein structure and function (PolyPhen-2) suggests that this variant is likely to be disruptive. In summary, the available evidence is currently insufficient to determine the role of this variant in disease. Therefore, it has been classified as a Variant of Uncertain Significance.

NM_004304.5(ALK):c.175G>A (p.Val59Met)

Gene: ALK (ALK receptor tyrosine kinase; minus strand). Cytogenetic location: 2p23.1.
Variant type: single nucleotide variant.
Coding change: c.175G>A on transcript NM_004304.5 (MANE Select); coding-DNA position 175, G replaced by A.
Protein change: p.Val59Met; replaces valine 59 with methionine.
Molecular consequence: missense variant.
Genome position (GRCh38, 1-based): chr2:29,920,485, C>T on the plus strand (G>A on the coding strand, the complement: ALK is on the minus strand). VCF-style: chr2-29920485-C-T. GRCh37 (hg19) VCF-style: chr2-30143351-C-T.
Other names: short protein forms V59M.
Identifiers: ClinVar variation 2908603 (VCV002908603.3), dbSNP rs1553380428, ClinGen allele CA346590547.